The following is an entry in ClinVar:

ClinVar aggregate classification (germline): Likely benign (1 of 4 stars; one submission).

Conditions:
Autosomal dominant striatal neurodegeneration type 1. Identifiers: Orphanet 228169, MedGen C4310808, MONDO:0012205, OMIM 609161.

Allele frequency attached by ClinVar (database versions not stated): gnomAD 0.00085 and 0.00086; TOPMed 0.00096; 1000 Genomes Project 0.00100; 1000 Genomes Project 30x 0.00125.
gnomAD v4.1: 130 of 152,162 alleles (0.085%); highest among the groups gnomAD compares: African/African-American, 0.26%; no homozygotes.

Submission:

Illumina Laboratory Services, Illumina
Classification: Likely benign for Autosomal dominant striatal neurodegeneration type 1. Last evaluated: 2018-01-12. Review status: criteria provided, single submitter. Criteria: ICSL Variant Classification Criteria 13 December 2019. Collection method: clinical testing. Allele origin: germline.
Comment: This variant was observed in the ICSL laboratory as part of a predisposition screen in an ostensibly healthy population. It had not been previously curated by ICSL or reported in the Human Gene Mutation Database (HGMD: prior to June 1st, 2018), and was therefore a candidate for classification through an automated scoring system. Utilizing variant allele frequency, disease prevalence and penetrance estimates, and inheritance mode, an automated score was calculated to assess if this variant is too frequent to cause the disease. Based on the score and internal cut-off values, a variant classified as likely benign is not then subjected to further curation. The score for this variant resulted in a classification of likely benign for this disease.

NM_003719.5(PDE8B):c.*1265G>A

Gene: PDE8B (phosphodiesterase 8B; plus strand). Cytogenetic location: 5q13.3.
Variant type: single nucleotide variant.
Coding change: c.*1265G>A on transcript NM_003719.5 (MANE Select); 1265 bases downstream of the stop codon, G replaced by A.
Molecular consequence: 3 prime UTR variant.
Genome position (GRCh38, 1-based): chr5:77,427,819, G>A. VCF-style: chr5-77427819-G-A. GRCh37 (hg19) VCF-style: chr5-76723644-G-A.
Other names: c.*1265G>A (NM_001029851.4, NM_001029852.4, NM_001029853.4 and 19 more transcripts); c.*1351G>A (NM_001349751.3, NM_001376072.1).
Identifiers: ClinVar variation 904063 (VCV000904063.4), dbSNP rs138511945, ClinGen allele CA121090099.